The following is an entry in ClinVar:

NM_000077.5(CDKN2A):c.81G>A (p.Glu27=)

Gene: CDKN2A (cyclin dependent kinase inhibitor 2A; minus strand). Cytogenetic location: 9p21.3.
Variant type: single nucleotide variant.
Coding change: c.81G>A on transcript NM_000077.5; coding-DNA position 81, G replaced by A.
Protein change: p.Glu27=; no amino-acid change (glutamic acid 27 retained).
Molecular consequence: synonymous variant (on NM_000077.6). On other transcripts: intron variant (2).
Genome position (GRCh38, 1-based): chr9:21,974,747, C>T on the plus strand (G>A on the coding strand, the complement: CDKN2A is on the minus strand). VCF-style: chr9-21974747-C-T. GRCh37 (hg19) VCF-style: chr9-21974746-C-T.
Other names: c.81G>A, p.Glu27= (NM_000077.6, NM_001195132.2, NM_058197.5); c.-3-3539G>A (NM_001363763.2); c.194-3539G>A (NM_058195.4).
Identifiers: ClinVar variation 414091 (VCV000414091.15), dbSNP rs1060504184, ClinGen allele CA16612870.
Genomic context (GRCh38, chr9:21,974,747, plus strand): 5'-CCTCCGACCGTAACTATTCGGTGCGTTGGGCAGCGCCCCCGCCTCCAGCAGCGCCCGCAC[C>T]TCCTCTACCCGACCCCGGGCCGCGGCCGTGGCCAGCCAGTCAGCCGAAGGCTCCATGCTG-3'
Protein context (NP_000068.1, residues 17-37): ATAAARGRVE[Glu27=]VRALLEAGAL

ClinVar aggregate classification (germline): Conflicting classifications of pathogenicity. Review status: criteria provided, conflicting classifications (1 of 4 stars). 5 submissions from 5 submitters: Uncertain significance (1); Benign (1); Likely benign (3). Last evaluated 2026-08-01.

Conditions:
Familial melanoma. Also called: Hereditary melanoma; Hereditary cutaneous melanoma. Identifiers: Orphanet 618, MedGen C1512419, MONDO:0018961.
Melanoma-pancreatic cancer syndrome. Identifiers: Orphanet 404560, MedGen C1838547, MONDO:0011713, OMIM 606719. Disease mechanism: loss of function.
Hereditary cancer-predisposing syndrome. Also called: Hereditary neoplastic syndrome; Neoplastic Syndromes, Hereditary; Hereditary Cancer Syndrome; Tumor predisposition. Identifiers: Orphanet 140162, MedGen C0027672, MeSH D009386, MONDO:0015356.

Submissions (5):

CeGaT Center for Human Genetics Tuebingen
Classification: Likely benign. Last evaluated: 2026-08-01. Review status: criteria provided, single submitter. Criteria: CeGaT Center For Human Genetics Tuebingen Variant Classification Criteria Version 2. Collection method: clinical testing. Allele origin: germline. Affected: yes. Observed: 1 variant allele.
Comment: CDKN2A: PM2:Supporting, BP4, BP7

Myriad Genetics, Inc.
Classification: Benign for Melanoma-pancreatic cancer syndrome. Last evaluated: 2025-08-13. Review status: criteria provided, single submitter. Criteria: Myriad Autosomal Dominant, Autosomal Recessive and X-Linked Classification Criteria (2023). Collection method: clinical testing. Allele origin: unknown.
Comment: This variant is considered benign. This variant is a silent/synonymous amino acid change and it is not expected to impact splicing.

Labcorp Genetics (formerly Invitae), Labcorp
Classification: Likely benign for Familial melanoma. Last evaluated: 2025-07-05. Review status: criteria provided, single submitter. Criteria: Invitae Variant Classification Sherloc (09022015). Collection method: clinical testing. Allele origin: germline.

Quest Diagnostics Nichols Institute San Juan Capistrano
Classification: Uncertain significance. Last evaluated: 2021-07-21. Review status: criteria provided, single submitter. Criteria: Quest Diagnostics criteria. Collection method: clinical testing. Allele origin: unknown.

Ambry Genetics
Classification: Likely benign for Hereditary cancer-predisposing syndrome. Last evaluated: 2018-07-09. Review status: criteria provided, single submitter. Criteria: Ambry Variant Classification Scheme 2023. Collection method: clinical testing. Allele origin: germline.